The following is an entry in ClinVar:

ClinVar aggregate classification (germline): Conflicting classifications of pathogenicity. Review status: criteria provided, conflicting classifications (1 of 4 stars). 5 submissions from 5 submitters: Uncertain significance (1); Likely benign (4). Last evaluated 2025-10-29.

Conditions:
Dilated cardiomyopathy 1G (CMD1G). Identifiers: Orphanet 154, MedGen C1858763, MONDO:0011400, OMIM 604145.
Autosomal recessive limb-girdle muscular dystrophy type 2J (LGMDR10). Also called: Limb-girdle muscular dystrophy, type 2J; MUSCULAR DYSTROPHY, LIMB-GIRDLE, AUTOSOMAL RECESSIVE 10. Identifiers: Orphanet 140922, MedGen C1837342, MONDO:0012127, OMIM 608807.

Allele frequency attached by ClinVar (database versions not stated): gnomAD 0.00004 and 0.00005; gnomAD exomes 0.00004 and 0.00009; TOPMed 0.00005; ESP Exome Variant Server 0.00008; ExAC 0.00015.
gnomAD v4.1: 67 of 1,613,354 alleles (0.0042%); highest among the groups gnomAD compares: Admixed American, 0.005%; no homozygotes.

Submissions (5):

Labcorp Genetics (formerly Invitae), Labcorp
Classification: Likely benign for Dilated cardiomyopathy 1G; Autosomal recessive limb-girdle muscular dystrophy type 2J. Last evaluated: 2025-10-29. Review status: criteria provided, single submitter. Criteria: Invitae Variant Classification Sherloc (09022015). Collection method: clinical testing. Allele origin: germline.

CeGaT Center for Human Genetics Tuebingen
Classification: Likely benign. Last evaluated: 2025-01-01. Review status: criteria provided, single submitter. Criteria: CeGaT Center For Human Genetics Tuebingen Variant Classification Criteria Version 2. Collection method: clinical testing. Allele origin: germline. Affected: yes. Observed: 1 variant allele.
Comment: TTN: BP4, BP7

Blueprint Genetics
Classification: Likely benign. Last evaluated: 2024-10-31. Review status: criteria provided, single submitter. Criteria: ACMG Guidelines, 2015. Collection method: clinical testing. Allele origin: germline.

Women's Health and Genetics/Laboratory Corporation of America, LabCorp
Classification: Likely benign. Last evaluated: 2024-10-06. Review status: criteria provided, single submitter. Criteria: LabCorp Variant Classification Summary - May 2015. Collection method: clinical testing. Allele origin: germline.

Eurofins Ntd Llc (ga)
Classification: Uncertain significance. Last evaluated: 2017-07-12. Review status: criteria provided, single submitter. Criteria: EGL Classification Definitions 2015. Collection method: clinical testing. Allele origin: germline. Observed: 1 variant allele, 1 heterozygote.

NM_001267550.2(TTN):c.21906C>T (p.Cys7302=)

Gene: TTN (titin; minus strand). Cytogenetic location: 2q31.2.
Variant type: single nucleotide variant.
Coding change: c.21906C>T on transcript NM_001267550.2 (MANE Select); coding-DNA position 21906, C replaced by T.
Protein change: p.Cys7302=; no amino-acid change (cysteine 7302 retained).
Molecular consequence: synonymous variant. On other transcripts: intron variant (3).
Genome position (GRCh38, 1-based): chr2:178,723,101, G>A on the plus strand (C>T on the coding strand, the complement: TTN is on the minus strand). VCF-style: chr2-178723101-G-A. GRCh37 (hg19) VCF-style: chr2-179587828-G-A.
Other names: c.20955C>T, p.Cys6985= (NM_001256850.1); c.18174C>T, p.Cys6058= (NM_133378.4); c.13282+14981C>T (NM_003319.4); c.13858+14981C>T (NM_133437.4); c.13657+14981C>T (NM_133432.3).
Identifiers: ClinVar variation 466899 (VCV000466899.30), dbSNP rs370548693, ClinGen allele CA2000933.
Genomic context (GRCh38, chr2:178,723,101, plus strand): 5'-CACACCTAATGTAGATACCAGAGCTCCACAAACATCCCTTCCTGCCTCATTTTCAATCTC[G>A]CAGGAATACTGCCCTGCATCTCTTTTTGTGCTATTCAGAATTTCCAGGATACAAGTTTTC-3'
Protein context (NP_001254479.2, residues 7292-7312): STKRDAGQYS[Cys7302=]EIENEAGRDV